The following is an entry in ClinVar:

NM_001378454.1(ALMS1):c.10146dup (p.Ser3383fs)

Gene: ALMS1 (ALMS1 centrosome and basal body associated protein; plus strand). Cytogenetic location: 2p13.1.
Variant type: Duplication.
Coding change: c.10146dup on transcript NM_001378454.1 (MANE Select); coding-DNA position 10146, one base duplicated (C; older notation c.10146dupC).
Protein change: p.Ser3383fs; shifts the reading frame from serine 3383.
Molecular consequence: frameshift variant.
Genome position (GRCh38, 1-based): chr2:73,557,287, C duplicated. VCF-style (leftmost placement, unchanged base first): chr2-73557286-A-AC. GRCh37 (hg19) VCF-style: chr2-73784413-A-AC.
Other names: c.10149dup, p.Ser3384fs (NM_015120.4); c.10149dupC (NM_015120.4); short protein forms S3384fs, S3383fs.
Identifiers: ClinVar variation 450486 (VCV000450486.50), dbSNP rs1553416872, ClinGen allele CA658657043.

ClinVar aggregate classification (germline): Pathogenic/Likely pathogenic. Review status: criteria provided, multiple submitters, no conflicts (2 of 4 stars). 5 submissions from 5 submitters: Pathogenic (2); Likely pathogenic (3). Last evaluated 2023-03-07.

Conditions:
ALMS1-related disorder. Also called: ALMS1-related condition.
Alstrom syndrome (ALMS). Identifiers: Orphanet 64, MedGen C0268425, MONDO:0008763, OMIM 203800.

Submissions (5):

Labcorp Genetics (formerly Invitae), Labcorp
Classification: Pathogenic for Alstrom syndrome. Last evaluated: 2023-03-07. Review status: criteria provided, single submitter. Criteria: Invitae Variant Classification Sherloc (09022015). Collection method: clinical testing. Allele origin: germline.
Comment: This variant is not present in population databases (gnomAD no frequency). This sequence change creates a premature translational stop signal (p.Ser3384Glnfs*7) in the ALMS1 gene. It is expected to result in an absent or disrupted protein product. Loss-of-function variants in ALMS1 are known to be pathogenic (PMID: 17594715). This premature translational stop signal has been observed in individual(s) with clinical features of ALMS1-related conditions (PMID: 32531858). ClinVar contains an entry for this variant (Variation ID: 450486). For these reasons, this variant has been classified as Pathogenic.

Blueprint Genetics
Classification: Likely pathogenic for ALMS1-related disorders. Last evaluated: 2022-04-06. Review status: criteria provided, single submitter. Criteria: ACMG Guidelines, 2015. Collection method: clinical testing. Allele origin: germline. Affected: yes. Observed: 2 variant alleles.

Molecular Genetics Laboratory, Institute for Ophthalmic Research
Classification: Pathogenic for Alstrom syndrome. Last evaluated: 2020-01-09. Review status: criteria provided, single submitter. Criteria: ACMG Guidelines, 2015. Collection method: research. Allele origin: germline. Affected: yes.

GeneDx
Classification: Likely pathogenic. Last evaluated: 2017-07-13. Review status: criteria provided, single submitter. Criteria: GeneDx Variant Classification (06012015). Collection method: clinical testing. Allele origin: germline. Affected: yes.
Comment: Although the c.10149dupC likely pathogenic variant in the ALMS1 gene has not been reported to our knowledge, this variant causes a shift in reading frame starting at codon Serine 3384, changing it to a Glutamine, and creating a premature stop codon at position 7 of the new reading frame, denoted p.Ser3384GlnfsX7. This likely pathogenic variant is expected to result in either an abnormal, truncated protein product or loss of protein from this allele through nonsense-mediated mRNA decay. Other loss of function variants in the ALMS1 gene have been reported in Human Gene Mutation Database in association with Alstrom syndrome (Stenson et al., 2014), indicating that this is a mechanism of disease for this gene. Furthermore, c.10149dupC has not been observed in large population cohorts (Lek et al., 2016; 1000 Genomes Consortium et al., 2015; Exome Variant Server).

CeGaT Center for Human Genetics Tuebingen
Classification: Likely pathogenic. Last evaluated: 2017-04-01. Review status: criteria provided, single submitter. Criteria: CeGaT Center For Human Genetics Tuebingen Variant Classification Criteria Version 2. Collection method: clinical testing. Allele origin: germline. Affected: yes. Observed: 1 variant allele.

Literature cited by the submitters: PubMed 17594715 (cited by Labcorp Genetics (formerly Invitae), Labcorp); PubMed 32531858 (cited by Labcorp Genetics (formerly Invitae), Labcorp).